The following is an entry in ClinVar:

NM_000202.8(IDS):c.1344del (p.Glu449fs)

Gene: IDS (iduronate 2-sulfatase; minus strand). Cytogenetic location: Xq28.
Variant type: Deletion.
Coding change: c.1344del on transcript NM_000202.8 (MANE Select); coding-DNA position 1344, one base deleted (A; older notation c.1344delA).
Protein change: p.Glu449fs; shifts the reading frame from glutamic acid 449.
Molecular consequence: frameshift variant.
Genome position (GRCh38, 1-based): chrX:149,483,055, T deleted on the plus strand (A on the coding strand, the reverse complement: IDS is on the minus strand); the first of 2 consecutive T bases (chrX:149,483,055-149,483,056); deleting either gives the same sequence. VCF-style (leftmost placement, unchanged base first): chrX-149483054-CT-C. GRCh37 (hg19) VCF-style: chrX-148564585-CT-C.
Other names: c.1074del, p.Glu359fs (NM_001166550.4); short protein forms E359fs, E449fs.
Identifiers: ClinVar variation 3256030 (VCV003256030.2).
Genomic context (GRCh38, chrX:149,483,054, plus strand): 5'-GCCGGGGATACTGGCTATAGGCAATCAGTTCACGGGGATTACCAGGGAGGTACGGATCCT[CT>C]TCCAAGTCACGGAATCGAAAATGCTTCAGAAGGTTCTTGCCTTCTCTGCACAGCTCAACG-3'

ClinVar aggregate classification (germline): Pathogenic (1 of 4 stars; one submission).

Conditions:
Mucopolysaccharidosis, MPS-II (MPS2). Also called: Hunter Syndrome; IDURONATE 2-SULFATASE DEFICIENCY; Mucopolysaccharidosis Type II; Mucopolysaccharidosis type 2; Attenuated MPS (subtype; formerly known as mild MPS II); Severe MPS II. Identifiers: Orphanet 580, Orphanet 79388, MedGen C0026705, MONDO:0010674, OMIM 309900.

Submission:

Laboratory of Diagnosis and Therapy of Lysosomal Disorders, University of Padova
Classification: Pathogenic for Mucopolysaccharidosis, MPS-II. Last evaluated: 2024-06-07. Review status: criteria provided, single submitter. Criteria: ACMG Guidelines, 2015. Collection method: literature only. Allele origin: germline. Affected: yes. Observed: 3 variant alleles.
Comment: Null variant (PVS1_Strong), Absent from controls (or at low frequency) in gnomAD database (PM2_Moderate), Cosegregation with disease in multiple affected family members (PP1_Moderate), Patient’s phenotype or family history highly specific for the disease (PP4_Strong)

Classification method: ACMG Guidelines [PMID:25741868] with modifications

Literature cited by the submitters: PubMed 36945845.